The following is an entry in ClinVar:

ClinVar aggregate classification (germline): Likely benign. Review status: reviewed by expert panel (3 of 4 stars). 9 submissions from 9 submitters: Likely benign (1). 8 of the submissions do not count toward it. Last evaluated 2017-06-29.

Conditions:
Hereditary cancer-predisposing syndrome. Also called: Tumor predisposition; Hereditary neoplastic syndrome; Neoplastic Syndromes, Hereditary; Hereditary Cancer Syndrome. Identifiers: Orphanet 140162, MedGen C0027672, MeSH D009386, MONDO:0015356.
Hereditary breast ovarian cancer syndrome. Also called: Hereditary breast and ovarian cancer syndrome; Hereditary breast and ovarian cancer; Hereditary breast and ovarian cancer syndrome (HBOC); Breast and ovarian cancer; BRCA1- and BRCA2-Associated Hereditary Breast and Ovarian Cancer; Hereditary breast and/or ovarian cancer syndrome. Identifiers: Orphanet 145, MedGen C0677776, MeSH D061325, MONDO:0003582. Disease mechanism: loss of function.
Breast-ovarian cancer, familial, susceptibility to, 2 (BROVCA2). Also called: BRCA2 Hereditary Breast and Ovarian Cancer. Identifiers: Orphanet 145, MedGen C2675520, MONDO:0012933, OMIM 612555. Disease mechanism: loss of function.
Malignant tumor of breast. Also called: Malignant breast neoplasm; Cancer breast. Identifiers: MedGen C0006142, MONDO:0007254. Disease mechanism: loss of function.

Allele frequency attached by ClinVar (database versions not stated): gnomAD exomes 0.00001 and 0.00003; gnomAD 0.00002 and 0.00013; ExAC 0.00003; ESP Exome Variant Server 0.00008; TOPMed 0.00024.
gnomAD v4.1: 26 of 1,609,134 alleles (0.0016%); highest among the groups gnomAD compares: Admixed American, 0.01%; no homozygotes.

Submissions (9):

Evidence-based Network for the Interpretation of Germline Mutant Alleles (ENIGMA)
Classification: Likely benign for Breast-ovarian cancer, familial, susceptibility to, 2. Last evaluated: 2017-06-29. Review status: reviewed by expert panel. Criteria: ENIGMA BRCA1/2 Classification Criteria (2017-06-29). Collection method: curation. Allele origin: germline.
Comment: Synonymous substitution variant, with low bioinformatic likelihood to result in a splicing aberration (Splicing prior probability 0.02).

Labcorp Genetics (formerly Invitae), Labcorp
Classification: Likely benign for Hereditary breast ovarian cancer syndrome. Last evaluated: 2026-02-03. Review status: criteria provided, single submitter. Criteria: Invitae Variant Classification Sherloc (09022015). Collection method: clinical testing. Allele origin: germline. Not counted in ClinVar's aggregate classification.

Quest Diagnostics Nichols Institute San Juan Capistrano
Classification: Benign. Last evaluated: 2023-07-03. Review status: criteria provided, single submitter. Criteria: Quest Diagnostics criteria. Collection method: clinical testing. Allele origin: unknown. Not counted in ClinVar's aggregate classification.

ARUP Laboratories, Molecular Genetics and Genomics, ARUP Laboratories
Classification: Likely benign. Last evaluated: 2020-10-07. Review status: criteria provided, single submitter. Criteria: ARUP Molecular Germline Variant Investigation Process 2021. Collection method: clinical testing. Allele origin: germline. Not counted in ClinVar's aggregate classification.

Women's Health and Genetics/Laboratory Corporation of America, LabCorp
Classification: Likely benign. Last evaluated: 2019-08-21. Review status: criteria provided, single submitter. Criteria: LabCorp Variant Classification Summary - May 2015. Collection method: clinical testing. Allele origin: germline. Not counted in ClinVar's aggregate classification.

Color Diagnostics, LLC DBA Color Health
Classification: Likely benign for Hereditary cancer-predisposing syndrome. Last evaluated: 2017-07-25. Review status: criteria provided, single submitter. Criteria: ACMG Guidelines, 2015. Collection method: clinical testing. Allele origin: germline. Not counted in ClinVar's aggregate classification.

Ambry Genetics
Classification: Likely benign for Hereditary cancer-predisposing syndrome. Last evaluated: 2014-10-30. Review status: criteria provided, single submitter. Criteria: Ambry Variant Classification Scheme 2023. Collection method: clinical testing. Allele origin: germline. Not counted in ClinVar's aggregate classification.

GeneDx
Classification: Benign. Last evaluated: 2014-04-28. Review status: criteria provided, single submitter. Criteria: GeneDx Variant Classification (06012015). Collection method: clinical testing. Allele origin: germline. Affected: yes. Not counted in ClinVar's aggregate classification.
Comment: This variant is considered likely benign or benign based on one or more of the following criteria: it is a conservative change, it occurs at a poorly conserved position in the protein, it is predicted to be benign by multiple in silico algorithms, and/or has population frequency not consistent with disease.

Department of Pathology and Laboratory Medicine, Sinai Health System
Classification: Likely benign for Malignant tumor of breast. Review status: no assertion criteria provided. Collection method: clinical testing. Allele origin: unknown. Affected: yes. Study: The Canadian Open Genetics Repository (COGR). Not counted in ClinVar's aggregate classification.
Comment: The BRCA2 p.Leu2320= variant was not identified in the literature nor was it identified in the following databases: COGR, Cosmic, BIC, ARUP Laboratories, or the Zhejiang Colon Cancer Database. The variant was identified in dbSNP (ID: rs373134168) â€šÃ„ÃºWith Likely benign alleleâ€šÃ„Ã¹, ClinVar (classified likely benign, reviewed by an expert panel (June 2017); submitters likely benign by ENIGMA, Ambry Genetics and Invitae and benign by GeneDx), Clinvitae (4x), UMD-LSDB (2x - 3-UV) and in control databases in 10 of 275770 chromosomes at a frequency of 0.00004 increasing the likelihood that this may be a low frequency variant in certain populations of origin (Genome Aggregation Consortium Feb 27, 2017). Breakdown of the observations by population include Latino in 6 of 34274 chromosomes (freq: 0.0002), European Non-Finnish in 4 of 126212 chromosomes (freq: 0.00003), while the variant was not observed in the African, Ashkenazi Jewish, East Asian, South Asian, and European Finnish populations. The p.Leu2320= variant is not expected to have clinical significance because it does not result in a change of amino acid and is not located in a known consensus splice site. In addition, in silico or computational prediction software programs (SpliceSiteFinder, MaxEntScan, NNSPLICE, GeneSplicer, HumanSpliceFinder) do not predict a difference in splicing. In summary, based on the above information the clinical significance of this variant cannot be determined with certainty at this time although we would lean towards a more benign role for this variant. This variant is classified as likely benign.

NM_000059.4(BRCA2):c.6960G>A (p.Leu2320=)

Gene: BRCA2 (BRCA2 DNA repair associated; plus strand). Cytogenetic location: 13q13.1.
Variant type: single nucleotide variant.
Coding change: c.6960G>A on transcript NM_000059.4 (MANE Select); coding-DNA position 6960, G replaced by A.
Protein change: p.Leu2320=; no amino-acid change (leucine 2320 retained).
Molecular consequence: synonymous variant.
Genome position (GRCh38, 1-based): chr13:32,346,849, G>A. VCF-style: chr13-32346849-G-A. GRCh37 (hg19) VCF-style: chr13-32920986-G-A.
Other names: p.L2320L:TTG>TTA.
Identifiers: ClinVar variation 136565 (VCV000136565.32), dbSNP rs373134168, ClinGen allele CA024645.